The following is an entry in ClinVar:

NM_000786.4(CYP51A1):c.334A>T (p.Thr112Ser)

Gene: CYP51A1 (cytochrome P450 family 51 subfamily A member 1; minus strand). Cytogenetic location: 7q21.2.
Variant type: single nucleotide variant.
Coding change: c.334A>T on transcript NM_000786.4 (MANE Select); coding-DNA position 334, A replaced by T.
Protein change: p.Thr112Ser; replaces threonine 112 with serine.
Molecular consequence: missense variant.
Genome position (GRCh38, 1-based): chr7:92,129,014, T>A on the plus strand (A>T on the coding strand, the complement: CYP51A1 is on the minus strand). VCF-style: chr7-92129014-T-A. GRCh37 (hg19) VCF-style: chr7-91758328-T-A.
Other names: c.19A>T, p.Thr7Ser (NM_001146152.2); short protein forms T112S, T7S.
Identifiers: ClinVar variation 3079761 (VCV003079761.3), dbSNP rs759517992, ClinGen allele CA4338583.

ClinVar aggregate classification (germline): Uncertain significance. Review status: criteria provided, multiple submitters, no conflicts (2 of 4 stars). 2 submissions from 2 submitters: Uncertain significance (2). Last evaluated 2026-01-22.

Allele frequency attached by ClinVar (database versions not stated): gnomAD exomes 0.00001; ExAC 0.00002; gnomAD 0.00002; TOPMed 0.00002.
gnomAD v4.1: 7 of 1,613,584 alleles (0.00043%); highest among the groups gnomAD compares: Admixed American, 0.012%; 1 homozygote.

Submissions (2):

GeneDx
Classification: Uncertain significance. Last evaluated: 2026-01-22. Review status: criteria provided, single submitter. Criteria: GeneDx Variant Classification Process June 2021. Collection method: clinical testing. Allele origin: germline.
Comment: In silico analysis supports that this missense variant has a deleterious effect on protein structure/function; Has not been previously published as pathogenic or benign to our knowledge

Ambry Genetics
Classification: Uncertain significance. Last evaluated: 2025-01-26. Review status: criteria provided, single submitter. Criteria: Ambry Variant Classification Scheme 2023. Collection method: clinical testing. Allele origin: germline.